The following is an entry in ClinVar:

ClinVar aggregate classification (germline): Uncertain significance (1 of 4 stars; one submission).

Submission:

Labcorp Genetics (formerly Invitae), Labcorp
Classification: Uncertain significance. Last evaluated: 2025-05-13. Review status: criteria provided, single submitter. Criteria: Invitae Variant Classification Sherloc (09022015). Collection method: clinical testing. Allele origin: germline.
Comment: This sequence change replaces arginine, which is basic and polar, with proline, which is neutral and non-polar, at codon 704 of the DUOX2 protein (p.Arg704Pro). This variant is not present in population databases (gnomAD no frequency). This variant has not been reported in the literature in individuals affected with DUOX2-related conditions. Invitae Evidence Modeling of protein sequence and biophysical properties (such as structural, functional, and spatial information, amino acid conservation, physicochemical variation, residue mobility, and thermodynamic stability) indicates that this missense variant is not expected to disrupt DUOX2 protein function with a negative predictive value of 80%. In summary, the available evidence is currently insufficient to determine the role of this variant in disease. Therefore, it has been classified as a Variant of Uncertain Significance.

NM_001363711.2(DUOX2):c.2111G>C (p.Arg704Pro)

Gene: DUOX2 (dual oxidase 2; minus strand). Cytogenetic location: 15q21.1.
Variant type: single nucleotide variant.
Coding change: c.2111G>C on transcript NM_001363711.2 (MANE Select); coding-DNA position 2111, G replaced by C.
Protein change: p.Arg704Pro; replaces arginine 704 with proline.
Molecular consequence: missense variant.
Genome position (GRCh38, 1-based): chr15:45,106,162, C>G on the plus strand (G>C on the coding strand, the complement: DUOX2 is on the minus strand). VCF-style: chr15-45106162-C-G. GRCh37 (hg19) VCF-style: chr15-45398360-C-G.
Other names: c.2111G>C, p.Arg704Pro (NM_014080.5); short protein forms R704P.
Identifiers: ClinVar variation 4798841 (VCV004798841.1).
Genomic context (GRCh38, chr15:45,106,162, plus strand): 5'-TGGGGAGGCAGGACGAGCCATACCAGGTCATACTCCTTAGGGATCTTGAGCAGCAGGGTG[C>G]GGCATCCTCGGTTGTTGGACAGGATGAGGTTGACCTGCTGCAGAGGCTGCAGCTGGACCA-3'
Protein context (NP_001350640.1, residues 694-714): NLILSNNRGC[Arg704Pro]TLLLKIPKEY